The following is an entry in ClinVar:

NM_000057.4(BLM):c.913C>T (p.Pro305Ser)

Gene: BLM (BLM RecQ like helicase; plus strand). Cytogenetic location: 15q26.1.
Variant type: single nucleotide variant.
Coding change: c.913C>T on transcript NM_000057.4 (MANE Select); coding-DNA position 913, C replaced by T.
Protein change: p.Pro305Ser; replaces proline 305 with serine.
Molecular consequence: missense variant. On other transcripts: 5 prime UTR variant (1).
Genome position (GRCh38, 1-based): chr15:90,751,900, C>T. VCF-style: chr15-90751900-C-T. GRCh37 (hg19) VCF-style: chr15-91295130-C-T.
Other names: c.913C>T, p.Pro305Ser (NM_001287246.2, NM_001287247.2); c.-379C>T (NM_001287248.2); short protein forms P305S.
Identifiers: ClinVar variation 999553 (VCV000999553.12), dbSNP rs1895696721, ClinGen allele CA393841867.

ClinVar aggregate classification (germline): Uncertain significance. Review status: criteria provided, multiple submitters, no conflicts (2 of 4 stars). 3 submissions from 3 submitters: Uncertain significance (3). Last evaluated 2025-11-17.

Conditions:
Hereditary cancer-predisposing syndrome. Also called: Neoplastic Syndromes, Hereditary; Tumor predisposition; Hereditary Cancer Syndrome; Hereditary neoplastic syndrome. Identifiers: Orphanet 140162, MedGen C0027672, MeSH D009386, MONDO:0015356.
Bloom syndrome (BLM). Also called: Bloom-Torre-Machacek syndrome. Identifiers: Orphanet 125, MedGen C0005859, MONDO:0008876, OMIM 210900.

Allele frequency attached by ClinVar (database versions not stated): TOPMed below 0.00001.

Submissions (3):

Labcorp Genetics (formerly Invitae), Labcorp
Classification: Uncertain significance for Bloom syndrome. Last evaluated: 2025-11-17. Review status: criteria provided, single submitter. Criteria: Invitae Variant Classification Sherloc (09022015). Collection method: clinical testing. Allele origin: germline.
Comment: This sequence change replaces proline, which is neutral and non-polar, with serine, which is neutral and polar, at codon 305 of the BLM protein (p.Pro305Ser). This variant is not present in population databases (gnomAD no frequency). This variant has not been reported in the literature in individuals affected with BLM-related conditions. ClinVar contains an entry for this variant (Variation ID: 999553). Invitae Evidence Modeling of protein sequence and biophysical properties (such as structural, functional, and spatial information, amino acid conservation, physicochemical variation, residue mobility, and thermodynamic stability) indicates that this missense variant is not expected to disrupt BLM protein function with a negative predictive value of 80%. In summary, the available evidence is currently insufficient to determine the role of this variant in disease. Therefore, it has been classified as a Variant of Uncertain Significance.

Ambry Genetics
Classification: Uncertain significance for Hereditary cancer-predisposing syndrome. Last evaluated: 2025-09-25. Review status: criteria provided, single submitter. Criteria: Ambry Variant Classification Scheme 2023. Collection method: clinical testing. Allele origin: germline.
Comment: The p.P305S variant (also known as c.913C>T), located in coding exon 3 of the BLM gene, results from a C to T substitution at nucleotide position 913. The proline at codon 305 is replaced by serine, an amino acid with similar properties. This amino acid position is conserved. In addition, the in silico prediction for this alteration is inconclusive. Since supporting evidence is limited at this time, the clinical significance of this alteration remains unclear.

GeneDx
Classification: Uncertain significance. Last evaluated: 2021-06-11. Review status: criteria provided, single submitter. Criteria: GeneDx Variant Classification Process June 2021. Collection method: clinical testing. Allele origin: germline. Affected: yes.
Comment: Not observed at significant frequency in large population cohorts (Lek 2016); In silico analysis supports that this missense variant has a deleterious effect on protein structure/function; Has not been previously published as pathogenic or benign to our knowledge; This variant is associated with the following publications: (PMID: 27535533)